The following is an entry in ClinVar:

NC_000017.10:g.(?_73951637)_(73956466_?)del

Gene: ACOX1 (acyl-CoA oxidase 1; minus strand). Cytogenetic location: 17q25.1.
Variant type: Deletion.
Identifiers: ClinVar variation 1415947 (VCV001415947.6).

ClinVar aggregate classification (germline): Pathogenic (1 of 4 stars; one submission).

Conditions:
Acyl-CoA oxidase deficiency. Also called: STRAIGHT-CHAIN ACYL-CoA OXIDASE DEFICIENCY; Pseudoneonatal adrenoleukodystrophy; Peroxisomal acyl-CoA oxidase deficiency. Identifiers: Orphanet 2971, MedGen C1849678, MONDO:0009919, OMIM 264470. Disease mechanism: loss of function.

Submission:

Labcorp Genetics (formerly Invitae), Labcorp
Classification: Pathogenic for Acyl-CoA oxidase deficiency. Last evaluated: 2021-03-24. Review status: criteria provided, single submitter. Criteria: Invitae Variant Classification Sherloc (09022015). Collection method: clinical testing. Allele origin: germline.
Comment: For these reasons, this variant has been classified as Pathogenic. This variant has not been reported in the literature in individuals with ACOX1-related conditions. This variant is a gross deletion of the genomic region encompassing exon(s) 3-6 of the ACOX1 gene. This deletion is out-of-frame, and is expected to create a premature translational stop signal and result in an absent or disrupted protein product. Loss-of-function variants in ACOX1 are known to be pathogenic (PMID: 8040306, 17458872).

Literature cited by the submitters: PubMed 8040306; PubMed 17458872.